The following is an entry in ClinVar:

NM_001033044.4(GLUL):c.-14+1168C>T

Gene: GLUL (glutamate-ammonia ligase; minus strand). Cytogenetic location: 1q25.3.
Variant type: single nucleotide variant.
Coding change: c.-14+1168C>T on transcript NM_001033044.4 (MANE Select); 1168 bases into the intron after 14 bases upstream of the start codon, C replaced by T.
Molecular consequence: intron variant. On other transcripts: 5 prime UTR variant (1).
Genome position (GRCh38, 1-based): chr1:182,390,511, G>A on the plus strand (C>T on the coding strand, the complement: GLUL is on the minus strand). VCF-style: chr1-182390511-G-A. GRCh37 (hg19) VCF-style: chr1-182359646-G-A.
Other names: c.-28C>T (NM_002065.7); c.-14+664C>T (NM_001033056.4).
Identifiers: ClinVar variation 875903 (VCV000875903.4), dbSNP rs149699916, ClinGen allele CA33835266.
Genomic context (GRCh38, chr1:182,390,511, plus strand): 5'-CAGCTCCCACCAACTCCGGGGTCGTCCTCCCTGCCCCCTCACTCACCCCAGCCACAGAAA[G>A]TCAAGCGTATCGTTAGGGTTGCCCTCTTTAACCCTTCTCTTTTTGGAGTGGCGTTCGCGC-3'

ClinVar aggregate classification (germline): Likely benign (1 of 4 stars; one submission).

Conditions:
Congenital brain dysgenesis due to glutamine synthetase deficiency (GLND). Also called: GLUTAMINE SYNTHASE DEFICIENCY, CONGENITAL SYSTEMIC. Identifiers: Orphanet 71278, MedGen C1864910, MONDO:0012393, OMIM 610015.

Allele frequency attached by ClinVar (database versions not stated): gnomAD 0.00039 and 0.00054; TOPMed 0.00085; gnomAD exomes 0.00105; 1000 Genomes Project 0.00240; 1000 Genomes Project 30x 0.00281.
gnomAD v4.1: 327 of 399,182 alleles (0.082%); highest among the groups gnomAD compares: East Asian, 1.1%; 1 homozygote.

Submission:

Illumina Laboratory Services, Illumina
Classification: Likely benign for Congenital brain dysgenesis due to glutamine synthetase deficiency. Last evaluated: 2018-01-13. Review status: criteria provided, single submitter. Criteria: ICSL Variant Classification Criteria 13 December 2019. Collection method: clinical testing. Allele origin: germline.
Comment: This variant was observed in the ICSL laboratory as part of a predisposition screen in an ostensibly healthy population. It had not been previously curated by ICSL or reported in the Human Gene Mutation Database (HGMD: prior to June 1st, 2018), and was therefore a candidate for classification through an automated scoring system. Utilizing variant allele frequency, disease prevalence and penetrance estimates, and inheritance mode, an automated score was calculated to assess if this variant is too frequent to cause the disease. Based on the score and internal cut-off values, a variant classified as likely benign is not then subjected to further curation. The score for this variant resulted in a classification of likely benign for this disease.